The following is an entry in ClinVar:

NC_000023.11:g.(?_33020119)_(33020220_?)del

Gene: DMD (dystrophin; minus strand). Cytogenetic location: Xp21.1.
Variant type: Deletion.
Identifiers: ClinVar variation 661746 (VCV000661746.1).

ClinVar aggregate classification (germline): Uncertain significance (1 of 4 stars; one submission).

Conditions:
Duchenne muscular dystrophy (DMD). Also called: MUSCULAR DYSTROPHY, PSEUDOHYPERTROPHIC PROGRESSIVE, DUCHENNE TYPE; Duchenne Muscular Dystrophy (DMD). Identifiers: Orphanet 98896, MedGen C0013264, MONDO:0010679, OMIM 310200.

Submission:

Labcorp Genetics (formerly Invitae), Labcorp
Classification: Uncertain significance for Duchenne muscular dystrophy. Last evaluated: 2018-08-01. Review status: criteria provided, single submitter. Criteria: Invitae Variant Classification Sherloc (09022015). Collection method: clinical testing. Allele origin: germline.
Comment: This variant is a deletion of the genomic region encompassing exon 2 of the DMD gene. Similar deletions of exon 2Â¬â€ have been reported in an individual affected withÂ¬â€ dystrophinopathy in the Leiden Open-source Variation Database (PMID:Â¬â€ 16770791), and in another individual affected with elevatedÂ¬â€ serum creatine kinase levels (PMID:Â¬â€ 25108525). Experimental studies have shown that deletion of exon 2 leads to translational initiation by a downstream methionine in exon 6 that results in a truncated but functional protein (PMID:Â¬â€ 25108525). In summary, the available evidence is currently insufficient to determine the role of this variant in disease. Therefore, it has been classified as a Variant of Uncertain Significance.